The following is an entry in ClinVar:

NM_004525.3(LRP2):c.5518C>T (p.Pro1840Ser)

Gene: LRP2 (LDL receptor related protein 2; minus strand). Cytogenetic location: 2q31.1.
Variant type: single nucleotide variant.
Coding change: c.5518C>T on transcript NM_004525.3 (MANE Select); coding-DNA position 5518, C replaced by T.
Protein change: p.Pro1840Ser; replaces proline 1840 with serine.
Molecular consequence: missense variant.
Genome position (GRCh38, 1-based): chr2:169,225,330, G>A on the plus strand (C>T on the coding strand, the complement: LRP2 is on the minus strand). VCF-style: chr2-169225330-G-A. GRCh37 (hg19) VCF-style: chr2-170081840-G-A.
Other names: short protein forms P1840S.
Identifiers: ClinVar variation 1921928 (VCV001921928.5), dbSNP rs2545849985, ClinGen allele CA349138998.

ClinVar aggregate classification (germline): Uncertain significance (1 of 4 stars; one submission).

Allele frequency attached by ClinVar (database versions not stated): gnomAD exomes below 0.00001.
gnomAD v4.1: 1 of 1,613,916 alleles (0.000062%); highest among the groups gnomAD compares: Non-Finnish European, 0.000085%; no homozygotes.

Submission:

Labcorp Genetics (formerly Invitae), Labcorp
Classification: Uncertain significance. Last evaluated: 2021-12-18. Review status: criteria provided, single submitter. Criteria: Invitae Variant Classification Sherloc (09022015). Collection method: clinical testing. Allele origin: germline.
Comment: In summary, the available evidence is currently insufficient to determine the role of this variant in disease. Therefore, it has been classified as a Variant of Uncertain Significance. Advanced modeling of protein sequence and biophysical properties (such as structural, functional, and spatial information, amino acid conservation, physicochemical variation, residue mobility, and thermodynamic stability) performed at Invitae indicates that this missense variant is not expected to disrupt LRP2 protein function. This variant has not been reported in the literature in individuals affected with LRP2-related conditions. This variant is not present in population databases (gnomAD no frequency). This sequence change replaces proline, which is neutral and non-polar, with serine, which is neutral and polar, at codon 1840 of the LRP2 protein (p.Pro1840Ser).